The following is an entry in ClinVar:

NM_001692.4(ATP6V1B1):c.1180C>G (p.Arg394Gly)

Gene: ATP6V1B1 (ATPase H+ transporting V1 subunit B1; plus strand). Cytogenetic location: 2p13.3.
Variant type: single nucleotide variant.
Coding change: c.1180C>G on transcript NM_001692.4 (MANE Select); coding-DNA position 1180, C replaced by G.
Protein change: p.Arg394Gly; replaces arginine 394 with glycine.
Molecular consequence: missense variant.
Genome position (GRCh38, 1-based): chr2:70,964,474, C>G. VCF-style: chr2-70964474-C-G. GRCh37 (hg19) VCF-style: chr2-71191604-C-G.
Other names: short protein forms R394G.
Identifiers: ClinVar variation 3236100 (VCV003236100.1), dbSNP rs370694539, ClinGen allele CA347187656.

ClinVar aggregate classification (germline): Uncertain significance (1 of 4 stars; one submission).

Conditions:
Renal tubular acidosis with progressive nerve deafness. Also called: RENAL TUBULAR ACIDOSIS, AUTOSOMAL RECESSIVE, WITH PROGRESSIVE NERVE DEAFNESS; RTA WITH PROGRESSIVE NERVE DEAFNESS; Distal Renal Tubular Acidosis with Progressive Sensorineural Deafness; renal tubular acidosis, distal, 2, with progressive sensorineural hearing loss. Identifiers: MedGen C0403554, MONDO:0009968, OMIM 267300.

Submission:

MVZ Medizinische Genetik Mainz
Classification: Uncertain significance for Renal tubular acidosis with progressive nerve deafness. Last evaluated: 2024-01-08. Review status: criteria provided, single submitter. Criteria: UK Practice Guidelines For Variant Classification V4 01 2020. Collection method: clinical testing. Allele origin: germline. Inheritance: Autosomal recessive inheritance. Affected: yes. Observed: 1 variant allele.
Comment: ACMG Criteria: PM5,PP3_MOD,PM2_SUP